The following is an entry in ClinVar:

NM_000821.7(GGCX):c.1304G>A (p.Arg435Gln)

Gene: GGCX (gamma-glutamyl carboxylase; minus strand). Cytogenetic location: 2p11.2.
Variant type: single nucleotide variant.
Coding change: c.1304G>A on transcript NM_000821.7 (MANE Select); coding-DNA position 1304, G replaced by A.
Protein change: p.Arg435Gln; replaces arginine 435 with glutamine.
Molecular consequence: missense variant.
Genome position (GRCh38, 1-based): chr2:85,552,551, C>T on the plus strand (G>A on the coding strand, the complement: GGCX is on the minus strand). VCF-style: chr2-85552551-C-T. GRCh37 (hg19) VCF-style: chr2-85779674-C-T.
Other names: c.1133G>A, p.Arg378Gln (NM_001142269.4); short protein forms R378Q, R435Q.
Identifiers: ClinVar variation 1367959 (VCV001367959.1), dbSNP rs768415020, ClinGen allele CA1741848.

ClinVar aggregate classification (germline): Uncertain significance (1 of 4 stars; one submission).

Allele frequency attached by ClinVar (database versions not stated): ExAC 0.00001; gnomAD 0.00001; gnomAD exomes 0.00001; TOPMed 0.00001.
gnomAD v4.1: 17 of 1,613,664 alleles (0.0011%); highest among the groups gnomAD compares: Admixed American, 0.0033%; no homozygotes.

Submission:

Labcorp Genetics (formerly Invitae), Labcorp
Classification: Uncertain significance. Last evaluated: 2021-08-05. Review status: criteria provided, single submitter. Criteria: Invitae Variant Classification Sherloc (09022015). Collection method: clinical testing. Allele origin: germline.
Comment: This sequence change replaces arginine with glutamine at codon 435 of the GGCX protein (p.Arg435Gln). The arginine residue is highly conserved and there is a small physicochemical difference between arginine and glutamine. This variant is present in population databases (rs768415020, ExAC 0.006%). This variant has not been reported in the literature in individuals affected with GGCX-related conditions. Algorithms developed to predict the effect of missense changes on protein structure and function are either unavailable or do not agree on the potential impact of this missense change (SIFT: "Tolerated"; PolyPhen-2: "Probably Damaging"; Align-GVGD: "Class C0"). In summary, the available evidence is currently insufficient to determine the role of this variant in disease. Therefore, it has been classified as a Variant of Uncertain Significance.